The following is an entry in ClinVar:

NM_145200.5(CABP4):c.50G>C (p.Gly17Ala)

Gene: CABP4 (calcium binding protein 4; plus strand). Cytogenetic location: 11q13.2.
Variant type: single nucleotide variant.
Coding change: c.50G>C on transcript NM_145200.5 (MANE Select); coding-DNA position 50, G replaced by C.
Protein change: p.Gly17Ala; replaces glycine 17 with alanine.
Molecular consequence: missense variant. On other transcripts: 5 prime UTR variant (2), non-coding transcript variant (1), intron variant (1).
Genome position (GRCh38, 1-based): chr11:67,455,473, G>C. VCF-style: chr11-67455473-G-C. GRCh37 (hg19) VCF-style: chr11-67222944-G-C.
Other names: c.-334G>C (NM_001300895.3); c.-348G>C (NM_001379183.1); c.-112-236G>C (NM_001300896.3); short protein forms G17A.
Identifiers: ClinVar variation 771570 (VCV000771570.14), dbSNP rs149824393, ClinGen allele CA6140055.

ClinVar aggregate classification (germline): Benign/Likely benign. Review status: criteria provided, multiple submitters, no conflicts (2 of 4 stars). 4 submissions from 4 submitters: Benign (2); Likely benign (2). Last evaluated 2026-01-19.

Conditions:
CABP4-related disorder. Also called: CABP4-related condition.

Allele frequency attached by ClinVar (database versions not stated): TOPMed 0.00081; gnomAD 0.00082 and 0.00078; 1000 Genomes Project 30x 0.00125; 1000 Genomes Project 0.00160; gnomAD exomes 0.00007 and 0.00020; ExAC 0.00034; ESP Exome Variant Server 0.00054.
gnomAD v4.1: 224 of 1,610,912 alleles (0.014%); highest among the groups gnomAD compares: African/African-American, 0.27%; 2 homozygotes.

Submissions (4):

Labcorp Genetics (formerly Invitae), Labcorp
Classification: Benign. Last evaluated: 2026-01-19. Review status: criteria provided, single submitter. Criteria: Invitae Variant Classification Sherloc (09022015). Collection method: clinical testing. Allele origin: germline.

Blueprint Genetics
Classification: Likely benign. Last evaluated: 2024-11-06. Review status: criteria provided, single submitter. Criteria: ACMG Guidelines, 2015. Collection method: clinical testing. Allele origin: germline.

PreventionGenetics, part of Exact Sciences
Classification: Likely benign for CABP4-related condition. Last evaluated: 2024-10-16. Review status: criteria provided, single submitter. Criteria: ACMG Guidelines, 2015. Collection method: clinical testing. Allele origin: germline.
Comment: This variant is classified as likely benign based on ACMG/AMP sequence variant interpretation guidelines (Richards et al. 2015 PMID: 25741868, with internal and published modifications).

Breakthrough Genomics
Classification: Benign. Review status: criteria provided, single submitter. Criteria: ACMG Guidelines, 2015. Collection method: not provided. Allele origin: germline. Inheritance: Autosomal recessive inheritance. Affected: yes.